The following is an entry in ClinVar:

NM_000277.3(PAH):c.1200-1G>A

Gene: PAH (phenylalanine hydroxylase; minus strand). Cytogenetic location: 12q23.2.
Variant type: single nucleotide variant.
Coding change: c.1200-1G>A on transcript NM_000277.3 (MANE Select); the canonical splice acceptor site of the intron before coding-DNA position 1200, G replaced by A.
Molecular consequence: splice acceptor variant.
Genome position (GRCh38, 1-based): chr12:102,840,516, C>T on the plus strand (G>A on the coding strand, the complement: PAH is on the minus strand). VCF-style: chr12-102840516-C-T. GRCh37 (hg19) VCF-style: chr12-103234294-C-T.
Other names: c.1200-1G>A (NM_001354304.2, NM_000277.2).
Identifiers: ClinVar variation 92730 (VCV000092730.21), dbSNP rs62507322, ClinGen allele CA220577.

ClinVar aggregate classification (germline): Pathogenic. Review status: reviewed by expert panel (3 of 4 stars). 8 submissions from 8 submitters: Pathogenic (1). 7 of the submissions do not count toward it. Last evaluated 2020-10-15.

Conditions:
Phenylketonuria (PKU). Also called: Phenylketonurias; OLIGOPHRENIA PHENYLPYRUVICA; Phenylketonuria (PKU); FOLLING DISEASE. Identifiers: Orphanet 716, MedGen C0031485, MONDO:0009861, OMIM 261600. Disease mechanism: loss of function.

Allele frequency attached by ClinVar (database versions not stated): TOPMed 0.00001; gnomAD 0.00001; gnomAD exomes 0.00001.
gnomAD v4.1: 9 of 1,608,194 alleles (0.00056%); highest among the groups gnomAD compares: Non-Finnish European, 0.00077%; no homozygotes.

Submissions (8):

ClinGen PAH Variant Curation Expert Panel
Classification: Pathogenic for Phenylketonuria. Last evaluated: 2020-10-15. Review status: reviewed by expert panel. Criteria: ClinGen PAH ACMG Specifications v1. Collection method: curation. Allele origin: germline. Inheritance: Autosomal recessive inheritance.
Comment: This c.1200-1G>A variant in PAH was reported in 2 Caucasian patients with PAH deficiency (PMID: 23430918) detected with pathogenic variants p.Phe55Leu and c.1315+1G>A. A defect in BH4 metabolism was not excluded. This variant is absent from population databases. This variant in the -1 splice acceptor site results in exon skipping, which disrupts the reading frame and is predicted to undergo nonsense mediated decay. The exon is present in biologically-relevant transcripts. In summary, this variant meets criteria to be classified as pathogenic for PAH. PAH-specific ACMG/AMP criteria applied: PVS1, PM2, PM3, PP4.

Lupski Lab, Baylor-Hopkins CMG, Baylor College of Medicine
Classification: Pathogenic for Phenylketonuria. Last evaluated: 2026-11-16. Review status: criteria provided, single submitter. Criteria: ACMG Guidelines, 2015. Collection method: research. Allele origin: maternal. Affected: yes. Observed: 1 variant allele, 1 compound heterozygote. Not counted in ClinVar's aggregate classification.
Comment: This c.1200-1G>A variant changes the canonical acceptor splice site of intron 11. Exon 12 skipping is predicted to disrupt the reading frame, with the transcript expected to undergo nonsense-mediated decay (PVS1; SpliceAI Score: 0.95). The variant is rare in gnomAD v4.1 (allele frequency 3.60 × 10⁻⁶), below the PAH VCEP threshold of 0.0002 (PM2_Supporting). It has been reported in individuals with PAH deficiency in trans with the pathogenic variants p.Phe55Leu and c.1315+1G>A (PMID: 23430918) (PM3_Moderate). In summary, this variant meets criteria to be classified as Pathogenic for phenylketonuria (criteria applied: PVS1, PM2_Supporting, PM3, PP4_Moderate).

GeneDx
Classification: Pathogenic. Last evaluated: 2025-08-20. Review status: criteria provided, single submitter. Criteria: GeneDx Variant Classification Process June 2021. Collection method: clinical testing. Allele origin: germline. Affected: yes. Not counted in ClinVar's aggregate classification.
Comment: Canonical splice site variant predicted to result in a null allele in a gene for which loss of function is a known mechanism of disease; Not observed at significant frequency in large population cohorts (gnomAD); This variant is associated with the following publications: (PMID: 1301187, 28982351, 25525159, 31623983, 9399840, 32668217, 32778825, 23430918, 9634518)

Natera, Inc.
Classification: Pathogenic for Phenylketonuria. Last evaluated: 2025-05-02. Review status: criteria provided, single submitter. Criteria: Natera Variant Classification Schema (03/2026). Collection method: clinical testing. Allele origin: germline. Not counted in ClinVar's aggregate classification.
Comment: The c.1200-1G>A variant in PAH is a canonical splice acceptor site variant predicted to affect pre-mRNA splicing, which may result in an abnormal transcript and altered protein product. This variant is expected to result in nonsense mediated decay, truncation, or a dysfunctional protein product. This variant is rare in the general population with a frequency below the threshold expected for the associated phenotype(s). This variant has been observed in one or more individuals affected with the associated recessive disease, as either homozygous or compound heterozygous with a second variant (PMID: 23430918). Given the available evidence, this variant is classified as Pathogenic.

Labcorp Genetics (formerly Invitae), Labcorp
Classification: Pathogenic for Phenylketonuria. Last evaluated: 2024-08-27. Review status: criteria provided, single submitter. Criteria: Invitae Variant Classification Sherloc (09022015). Collection method: clinical testing. Allele origin: germline. Not counted in ClinVar's aggregate classification.
Comment: This sequence change affects an acceptor splice site in intron 11 of the PAH gene. It is expected to disrupt RNA splicing. Variants that disrupt the donor or acceptor splice site typically lead to a loss of protein function (PMID: 16199547), and loss-of-function variants in PAH are known to be pathogenic (PMID: 1301187, 9634518). This variant is not present in population databases (gnomAD no frequency). Disruption of this splice site has been observed in individual(s) with phenylketonuria (PMID: 28982351, 31623983). ClinVar contains an entry for this variant (Variation ID: 92730). Algorithms developed to predict the effect of sequence changes on RNA splicing suggest that this variant may disrupt the consensus splice site. For these reasons, this variant has been classified as Pathogenic.

Women's Health and Genetics/Laboratory Corporation of America, LabCorp
Classification: Likely pathogenic for Phenylketonuria. Last evaluated: 2020-06-21. Review status: criteria provided, single submitter. Criteria: LabCorp Variant Classification Summary - May 2015. Collection method: clinical testing. Allele origin: germline. Not counted in ClinVar's aggregate classification.
Comment: Variant summary: PAH c.1200-1G>A is located in a canonical splice-site and is predicted to affect mRNA splicing resulting in a significantly altered protein due to either exon skipping, shortening, or inclusion of intronic material. Several computational tools predict a significant impact on normal splicing: Two predict the variant abolishes a 3' acceptor site. Two predict the variant weakens a 3' acceptor site. However, these predictions have yet to be confirmed by functional studies. The variant was absent in 251412 control chromosomes. c.1200-1G>A has been reported in the PKU database and in literature in individuals affected with Phenylalanine Hydroxylase Deficiency (Phenylketonuria) and has been subsequently cited by others (example, Nowacki_1998, Rajabi_2019, Liu_2017). These data indicate that the variant may be associated with disease. To our knowledge, no experimental evidence demonstrating an impact on protein function has been reported. One clinical diagnostic laboratory has submitted clinical-significance assessments for this variant to ClinVar after 2014 without evidence for independent evaluation and classified the variant as pathogenic. Based on the evidence outlined above, the variant was classified as likely pathogenic.

Eurofins Ntd Llc (ga)
Classification: Pathogenic. Last evaluated: 2015-07-27. Review status: criteria provided, single submitter. Criteria: EGL Classification Definitions 2015. Collection method: clinical testing. Allele origin: germline. Observed: 2 variant alleles, 2 heterozygotes. Not counted in ClinVar's aggregate classification.

DeBelle Laboratory for Biochemical Genetics, MUHC/MCH RESEARCH INSTITUTE
No classification provided. Review status: no classification provided. Collection method: not provided. Allele origin: not provided. Not counted in ClinVar's aggregate classification.

Literature cited by the submitters: PubMed 23430918 (cited by 3 submitters); PubMed 16199547 (cited by Labcorp Genetics (formerly Invitae), Labcorp); PubMed 1301187 (cited by Labcorp Genetics (formerly Invitae), Labcorp); PubMed 9634518 (cited by Labcorp Genetics (formerly Invitae), Labcorp); PubMed 28982351 (cited by Labcorp Genetics (formerly Invitae), Labcorp and Women's Health and Genetics/Laboratory Corporation of America, LabCorp); PubMed 31623983 (cited by Labcorp Genetics (formerly Invitae), Labcorp and Women's Health and Genetics/Laboratory Corporation of America, LabCorp); PubMed 9399840 (cited by Women's Health and Genetics/Laboratory Corporation of America, LabCorp).